The following is an entry in ClinVar:

ClinVar aggregate classification (germline): Conflicting classifications of pathogenicity. Review status: criteria provided, conflicting classifications (1 of 4 stars). 3 submissions from 3 submitters: Uncertain significance (1); Likely benign (2). Last evaluated 2025-12-23.

Conditions:
Hereditary cancer-predisposing syndrome. Also called: Neoplastic Syndromes, Hereditary; Tumor predisposition; Hereditary neoplastic syndrome; Hereditary Cancer Syndrome. Identifiers: Orphanet 140162, MedGen C0027672, MeSH D009386, MONDO:0015356.
Gastrointestinal stromal tumor. Also called: Gastrointestinal stroma tumor; Gastrointestinal stromal tumor, somatic. Identifiers: Orphanet 44890, MedGen C0238198, MeSH D046152, MONDO:0011719, OMIM 606764, HP:0100723.
PDGFRA-related disorder. Also called: PDGFRA-related condition.

Allele frequency attached by ClinVar (database versions not stated): gnomAD exomes below 0.00001; ExAC 0.00001; TOPMed 0.00001.
gnomAD v4.1: 1 of 1,614,154 alleles (0.000062%); highest among the groups gnomAD compares: East Asian, 0.0022%; no homozygotes.

Submissions (3):

Ambry Genetics
Classification: Uncertain significance for Hereditary cancer-predisposing syndrome. Last evaluated: 2025-12-23. Review status: criteria provided, single submitter. Criteria: Ambry Variant Classification Scheme 2023. Collection method: clinical testing. Allele origin: germline.
Comment: The c.2556A>G variant (also known as p.K852K), located in coding exon 17 of the PDGFRA gene, results from an A to G substitution at nucleotide position 2556. This nucleotide substitution does not change the lysine at codon 852. This nucleotide position is not well conserved in available vertebrate species. In silico splice site analysis for this alteration is inconclusive. Based on the available evidence, the clinical significance of this variant remains unclear.

PreventionGenetics, part of Exact Sciences
Classification: Likely benign for PDGFRA-related condition. Last evaluated: 2025-11-10. Review status: criteria provided, single submitter. Criteria: ACMG Guidelines, 2015. Collection method: clinical testing. Allele origin: germline.
Comment: This variant is classified as likely benign based on ACMG/AMP sequence variant interpretation guidelines (Richards et al. 2015 PMID: 25741868, with internal and published modifications).

Labcorp Genetics (formerly Invitae), Labcorp
Classification: Likely benign for Gastrointestinal stromal tumor. Last evaluated: 2024-04-16. Review status: criteria provided, single submitter. Criteria: Invitae Variant Classification Sherloc (09022015). Collection method: clinical testing. Allele origin: germline.

NM_006206.6(PDGFRA):c.2556A>G (p.Lys852=)

Gene: PDGFRA (platelet derived growth factor receptor alpha; plus strand). Cytogenetic location: 4q12.
Variant type: single nucleotide variant.
Coding change: c.2556A>G on transcript NM_006206.6 (MANE Select); coding-DNA position 2556, A replaced by G.
Protein change: p.Lys852=; no amino-acid change (lysine 852 retained).
Molecular consequence: synonymous variant.
Genome position (GRCh38, 1-based): chr4:54,285,957, A>G. VCF-style: chr4-54285957-A-G. GRCh37 (hg19) VCF-style: chr4-55152124-A-G.
Other names: c.2556A>G (NM_006206.5, NM_006206.4); c.2631A>G, p.Lys877= (NM_001347828.2); c.2556A>G, p.Lys852= (NM_001347829.2); c.2595A>G, p.Lys865= (NM_001347830.2).
Identifiers: ClinVar variation 1504504 (VCV001504504.15), dbSNP rs774809808, ClinGen allele CA2922889.